The following is an entry in ClinVar:

GRCh37/hg19 10q21.3(chr10:69933771-69935269)x0

Gene: MYPN (myopalladin; plus strand). Cytogenetic location: 10q21.3.
Variant type: copy number loss.
Change: copy number 0 (both copies lost) of chr10:69,933,771-69,935,269 (1.5 kb, GRCh37 coordinates, 1-based), cytogenetic band 10q21.3.
Identifiers: ClinVar variation 3338437 (VCV003338437.1).

ClinVar aggregate classification (germline): Likely pathogenic (0 of 4 stars; one submission).

Conditions:
Dilated cardiomyopathy 1KK (CMD1KK). Identifiers: Orphanet 154, Orphanet 75249, MedGen C3714995, MONDO:0014100, OMIM 615248.

Submission:

Solve-RD Consortium
Classification: Likely pathogenic for Dilated cardiomyopathy 1KK. Last evaluated: 2024-06-01. Review status: no assertion criteria provided. Collection method: provider interpretation. Allele origin: germline. Affected: yes.
Comment: This CNV was confirmed by the submitting clinician to impact a gene that corresponds with the phenotype of the affected individual, and thus deemed to be causative for their condition.

Literature cited by the submitters: PubMed 39825153.